The following is an entry in ClinVar:

ClinVar aggregate classification (germline): Uncertain significance (1 of 4 stars; one submission).

Submission:

GeneDx
Classification: Uncertain significance. Last evaluated: 2026-09-25. Review status: criteria provided, single submitter. Criteria: GeneDx Variant Classification Process June 2021. Collection method: clinical testing. Allele origin: germline.
Comment: Not observed at significant frequency in large population cohorts (gnomAD); In silico analysis supports that this missense variant has a deleterious effect on protein structure/function; Has not been previously published as pathogenic or benign to our knowledge

NM_002232.5(KCNA3):c.1318G>C (p.Val440Leu)

Gene: KCNA3 (potassium voltage-gated channel subfamily A member 3; minus strand). Cytogenetic location: 1p13.3.
Variant type: single nucleotide variant.
Coding change: c.1318G>C on transcript NM_002232.5 (MANE Select); coding-DNA position 1318, G replaced by C.
Protein change: p.Val440Leu; replaces valine 440 with leucine.
Molecular consequence: missense variant.
Genome position (GRCh38, 1-based): chr1:110,673,492, C>G on the plus strand (G>C on the coding strand, the complement: KCNA3 is on the minus strand). VCF-style: chr1-110673492-C-G. GRCh37 (hg19) VCF-style: chr1-111216114-C-G.
Other names: short protein forms V440L.
Identifiers: ClinVar variation 4536502 (VCV004536502.2).